The following is an entry in ClinVar:

NM_033380.3(COL4A5):c.2539del (p.Asp847fs)

Gene: COL4A5 (collagen type IV alpha 5 chain; plus strand). Cytogenetic location: Xq22.3.
Variant type: Deletion.
Coding change: c.2539del on transcript NM_033380.3 (MANE Select); coding-DNA position 2539, one base deleted (G; older notation c.2539delG).
Protein change: p.Asp847fs; shifts the reading frame from aspartic acid 847.
Molecular consequence: frameshift variant.
Genome position (GRCh38, 1-based): chrX:108,620,288, G deleted; the last of 5 consecutive G bases (chrX:108,620,284-108,620,288); deleting any one gives the same sequence. VCF-style (leftmost placement, unchanged base first): chrX-108620283-AG-A. GRCh37 (hg19) VCF-style: chrX-107863513-AG-A.
Other names: c.2539del, p.Asp847fs (NM_000495.5); short protein forms D847fs.
Identifiers: ClinVar variation 4719804 (VCV004719804.1).
Genomic context (GRCh38, chrX:108,620,283, plus strand): 5'-TTCAGTACTTATTAATATTGATATTGTATTAACTAGGTTTACATGGAATACCAGGAGAGA[AG>A]GGGGATCCAGGACCTCCTGGACTTGATGTTCCAGGACCCCCAGGTGAAAGAGGCAGTCCA-3'

ClinVar aggregate classification (germline): Pathogenic (1 of 4 stars; one submission).

Submission:

Labcorp Genetics (formerly Invitae), Labcorp
Classification: Pathogenic. Last evaluated: 2025-06-12. Review status: criteria provided, single submitter. Criteria: Invitae Variant Classification Sherloc (09022015). Collection method: clinical testing. Allele origin: germline.
Comment: This sequence change creates a premature translational stop signal (p.Asp847Ilefs*28) in the COL4A5 gene. It is expected to result in an absent or disrupted protein product. Loss-of-function variants in COL4A5 are known to be pathogenic (PMID: 9195222, 10752524, 14514738, 24854265, 26809805). This variant is not present in population databases (gnomAD no frequency). This variant has not been reported in the literature in individuals affected with COL4A5-related conditions. For these reasons, this variant has been classified as Pathogenic.

Literature cited by the submitters: PubMed 9195222; PubMed 10752524; PubMed 14514738; PubMed 24854265; PubMed 26809805.